The following is an entry in ClinVar:

NM_000051.4(ATM):c.5235_5238dup (p.His1747fs)

Gene: ATM (ATM serine/threonine kinase; plus strand). Cytogenetic location: 11q22.3.
Variant type: Duplication.
Coding change: c.5235_5238dup on transcript NM_000051.4 (MANE Select); coding-DNA positions 5235 to 5238, 4 bases duplicated (TGGA; older notation c.5235_5238dupTGGA).
Protein change: p.His1747fs; shifts the reading frame from histidine 1747.
Molecular consequence: frameshift variant.
Genome position (GRCh38, 1-based): chr11:108,301,705-108,301,708, TGGA duplicated. VCF-style (leftmost placement, unchanged base first): chr11-108301704-C-CTGGA. GRCh37 (hg19) VCF-style: chr11-108172431-C-CTGGA.
Other names: c.5235_5238dup, p.His1747fs (NM_001351834.2); c.5235_5238dupTGGA (NM_000051.3); short protein forms H1747fs.
Identifiers: ClinVar variation 4617450 (VCV004617450.1).
Genomic context (GRCh38, chr11:108,301,704, plus strand): 5'-TCAGTGTCAAAGTTCGATCAGCAGCTGTTACCTGTTTGAAAAACATTTTAGCCACAAAGA[C>CTGGA]TGGACATAGTTTCTGGGAGATTTATAAGATGACAACAGATCCAATGCTGGCCTATCTACA-3'

ClinVar aggregate classification (germline): Pathogenic (1 of 4 stars; one submission).

Conditions:
Hereditary cancer-predisposing syndrome. Also called: Neoplastic Syndromes, Hereditary; Tumor predisposition; Hereditary Cancer Syndrome; Hereditary neoplastic syndrome. Identifiers: Orphanet 140162, MedGen C0027672, MeSH D009386, MONDO:0015356.

Submission:

Ambry Genetics
Classification: Pathogenic for Hereditary cancer-predisposing syndrome. Last evaluated: 2025-10-09. Review status: criteria provided, single submitter. Criteria: Ambry Variant Classification Scheme 2023. Collection method: clinical testing. Allele origin: germline.
Comment: The c.5235_5238dupTGGA pathogenic mutation, located in coding exon 34 of the ATM gene, results from a duplication of TGGA at nucleotide position 5235, causing a translational frameshift with a predicted alternate stop codon (p.H1747Wfs*3). This variant is considered to be rare based on population cohorts in the Genome Aggregation Database (gnomAD). This alteration is expected to result in loss of function by premature protein truncation or nonsense-mediated mRNA decay. As such, this alteration is interpreted as a disease-causing mutation.